The following is an entry in ClinVar:

ClinVar aggregate classification (germline): Uncertain significance. Review status: criteria provided, multiple submitters, no conflicts (2 of 4 stars). 2 submissions from 2 submitters: Uncertain significance (2). Last evaluated 2024-08-31.

Conditions:
Hereditary cancer-predisposing syndrome. Also called: Tumor predisposition; Hereditary neoplastic syndrome; Hereditary Cancer Syndrome; Neoplastic Syndromes, Hereditary. Identifiers: Orphanet 140162, MedGen C0027672, MeSH D009386, MONDO:0015356.
Gastrointestinal stromal tumor. Also called: Gastrointestinal stroma tumor; Gastrointestinal stromal tumor, somatic. Identifiers: Orphanet 44890, MedGen C0238198, MeSH D046152, MONDO:0011719, OMIM 606764, HP:0100723.

Allele frequency attached by ClinVar (database versions not stated): gnomAD exomes below 0.00001.
gnomAD v4.1: 1 of 1,614,158 alleles (0.000062%); highest among the groups gnomAD compares: Admixed American, 0.0017%; no homozygotes.

Submissions (2):

Labcorp Genetics (formerly Invitae), Labcorp
Classification: Uncertain significance for Gastrointestinal stromal tumor. Last evaluated: 2024-08-31. Review status: criteria provided, single submitter. Criteria: Invitae Variant Classification Sherloc (09022015). Collection method: clinical testing. Allele origin: germline.
Comment: This sequence change replaces glycine, which is neutral and non-polar, with glutamic acid, which is acidic and polar, at codon 42 of the KIT protein (p.Gly42Glu). This variant is present in population databases (no rsID available, gnomAD 0.003%). This variant has not been reported in the literature in individuals affected with KIT-related conditions. ClinVar contains an entry for this variant (Variation ID: 528547). An algorithm developed to predict the effect of missense changes on protein structure and function (PolyPhen-2) suggests that this variant is likely to be tolerated. In summary, the available evidence is currently insufficient to determine the role of this variant in disease. Therefore, it has been classified as a Variant of Uncertain Significance.

Ambry Genetics
Classification: Uncertain significance for Hereditary cancer-predisposing syndrome. Last evaluated: 2023-09-25. Review status: criteria provided, single submitter. Criteria: Ambry Variant Classification Scheme 2023. Collection method: clinical testing. Allele origin: germline.
Comment: The p.G42E variant (also known as c.125G>A), located in coding exon 2 of the KIT gene, results from a G to A substitution at nucleotide position 125. The glycine at codon 42 is replaced by glutamic acid, an amino acid with similar properties. This amino acid position is conserved. In addition, this alteration is predicted to be tolerated by in silico analysis. Since supporting evidence is limited at this time, the clinical significance of this alteration remains unclear.

NM_000222.3(KIT):c.125G>A (p.Gly42Glu)

Gene: KIT (KIT proto-oncogene, receptor tyrosine kinase; plus strand). Cytogenetic location: 4q12.
Variant type: single nucleotide variant.
Coding change: c.125G>A on transcript NM_000222.3 (MANE Select); coding-DNA position 125, G replaced by A.
Protein change: p.Gly42Glu; replaces glycine 42 with glutamic acid.
Molecular consequence: missense variant.
Genome position (GRCh38, 1-based): chr4:54,695,569, G>A. VCF-style: chr4-54695569-G-A. GRCh37 (hg19) VCF-style: chr4-55561735-G-A.
Other names: c.125G>A, p.Gly42Glu (NM_001093772.2, NM_001385284.1, NM_001385285.1 and 4 more transcripts); short protein forms G42E.
Identifiers: ClinVar variation 528547 (VCV000528547.10), dbSNP rs746856550, ClinGen allele CA356896891.